The following is an entry in ClinVar:

ClinVar aggregate classification (germline): Likely pathogenic (1 of 4 stars; one submission).

Allele frequency attached by ClinVar (database versions not stated): 1000 Genomes Project 0.00020; gnomAD exomes 0.00002 and 0.00011; gnomAD 0.00004; ExAC 0.00006; TOPMed 0.00008; 1000 Genomes Project 30x 0.00016.
gnomAD v4.1: 37 of 1,613,060 alleles (0.0023%); highest among the groups gnomAD compares: Admixed American, 0.05%; no homozygotes.

Submission:

Labcorp Genetics (formerly Invitae), Labcorp
Classification: Likely pathogenic. Last evaluated: 2025-08-18. Review status: criteria provided, single submitter. Criteria: Invitae Variant Classification Sherloc (09022015). Collection method: clinical testing. Allele origin: germline.
Comment: This sequence change affects a donor splice site in intron 10 of the C2 gene. It is expected to disrupt RNA splicing. Variants that disrupt the donor or acceptor splice site typically lead to a loss of protein function (PMID: 16199547), and loss-of-function variants in C2 are known to be pathogenic (PMID: 1577763, 9616367). This variant is present in population databases (rs140225293, gnomAD 0.07%). Disruption of this splice site has been observed in individual(s) with C2 deficiency (PMID: 35753512). ClinVar contains an entry for this variant (Variation ID: 369516). Algorithms developed to predict the effect of sequence changes on RNA splicing suggest that this variant may disrupt the consensus splice site. In summary, the currently available evidence indicates that the variant is pathogenic, but additional data are needed to prove that conclusively. Therefore, this variant has been classified as Likely Pathogenic.

Literature cited by the submitters: PubMed 16199547; PubMed 1577763; PubMed 9616367; PubMed 35753512.

NM_000063.6(C2):c.1360+1G>A

Gene: C2 (complement C2; plus strand). Cytogenetic location: 6p21.33.
Variant type: single nucleotide variant.
Coding change: c.1360+1G>A on transcript NM_000063.6 (MANE Select); the canonical splice donor site of the intron after coding-DNA position 1360, G replaced by A.
Molecular consequence: splice donor variant.
Genome position (GRCh38, 1-based): chr6:31,943,100, G>A. VCF-style: chr6-31943100-G-A. GRCh37 (hg19) VCF-style: chr6-31910877-G-A.
Other names: c.622+1G>A (NM_001282457.2); c.718+1G>A (NM_001178063.3); c.1273+1G>A (NM_001282458.2); c.964+1G>A (NM_001145903.3).
Identifiers: ClinVar variation 369516 (VCV000369516.14), dbSNP rs140225293, ClinGen allele CA3727681.